The following is an entry in ClinVar:

NM_001127208.3(TET2):c.1930C>T (p.Gln644Ter)

Genes: TET2 (tet methylcytosine dioxygenase 2; plus strand), TET2-AS1 (TET2 antisense RNA 1; minus strand). Cytogenetic location: 4q24.
Variant type: single nucleotide variant.
Coding change: c.1930C>T on transcript NM_001127208.3 (MANE Select); coding-DNA position 1930, C replaced by T.
Protein change: p.Gln644Ter; replaces glutamine 644 with a stop codon.
Molecular consequence: nonsense.
Genome position (GRCh38, 1-based): chr4:105,235,872, C>T. VCF-style: chr4-105235872-C-T. GRCh37 (hg19) VCF-style: chr4-106157029-C-T.
Other names: c.1930C>T, p.Gln644Ter (NM_017628.4); short protein forms Q644*.
Identifiers: ClinVar variation 2808802 (VCV002808802.3), dbSNP rs752071309, ClinGen allele CA3031783.

ClinVar aggregate classification (germline): Pathogenic (1 of 4 stars; one submission).

Allele frequency attached by ClinVar (database versions not stated): gnomAD exomes below 0.00001; ExAC 0.00001.
gnomAD v4.1: 2 of 1,613,968 alleles (0.00012%); highest among the groups gnomAD compares: Non-Finnish European, 0.00017%; no homozygotes.

Submission:

Labcorp Genetics (formerly Invitae), Labcorp
Classification: Pathogenic. Last evaluated: 2024-02-23. Review status: criteria provided, single submitter. Criteria: Invitae Variant Classification Sherloc (09022015). Collection method: clinical testing. Allele origin: germline.
Comment: This sequence change creates a premature translational stop signal (p.Gln644*) in the TET2 gene. It is expected to result in an absent or disrupted protein product. Loss-of-function variants in TET2 are known to be pathogenic (PMID: 36066697). This variant is present in population databases (rs752071309, gnomAD 0.0009%). This variant has not been reported in the literature in individuals affected with TET2-related conditions. For these reasons, this variant has been classified as Pathogenic.

Literature cited by the submitters: PubMed 36066697.